The following is an entry in ClinVar:

NM_025132.4(WDR19):c.1093A>G (p.Thr365Ala)

Gene: WDR19 (WD repeat domain 19; plus strand). Cytogenetic location: 4p14.
Variant type: single nucleotide variant.
Coding change: c.1093A>G on transcript NM_025132.4 (MANE Select); coding-DNA position 1093, A replaced by G.
Protein change: p.Thr365Ala; replaces threonine 365 with alanine.
Molecular consequence: missense variant.
Genome position (GRCh38, 1-based): chr4:39,215,972, A>G. VCF-style: chr4-39215972-A-G. GRCh37 (hg19) VCF-style: chr4-39217592-A-G.
Other names: c.613A>G, p.Thr205Ala (NM_001317924.2); short protein forms T205A, T365A.
Identifiers: ClinVar variation 1005969 (VCV001005969.8), dbSNP rs745627337, ClinGen allele CA2891774.

ClinVar aggregate classification (germline): Uncertain significance. Review status: criteria provided, multiple submitters, no conflicts (2 of 4 stars). 2 submissions from 2 submitters: Uncertain significance (2). Last evaluated 2025-12-19.

Conditions:
Senior-Loken syndrome 8 (SLSN8). Identifiers: Orphanet 3156, MedGen C4225376, MONDO:0014579, OMIM 616307.
Asphyxiating thoracic dystrophy 5 (SRTD5). Also called: SHORT-RIB THORACIC DYSPLASIA 5 WITH OR WITHOUT POLYDACTYLY; SHORT-RIB THORACIC DYSPLASIA 5 WITHOUT POLYDACTYLY. Identifiers: Orphanet 474, MedGen C3280598, MONDO:0013717, OMIM 614376.
Spermatogenic failure 72 (SPGF72). Identifiers: MedGen C5676980, MONDO:0030809, OMIM 619867.
Nephronophthisis 13 (NPHP13). Identifiers: Orphanet 655, MedGen C3280612, MONDO:0013718, OMIM 614377.
Cranioectodermal dysplasia 4 (CED4). Identifiers: Orphanet 1515, MedGen C3280616, MONDO:0013719, OMIM 614378.

Allele frequency attached by ClinVar (database versions not stated): gnomAD 0.00001; gnomAD exomes 0.00001 and 0.00002; TOPMed 0.00001; ExAC 0.00003.
gnomAD v4.1: 14 of 1,611,190 alleles (0.00087%); highest among the groups gnomAD compares: Middle Eastern, 0.016%; no homozygotes.

Submissions (2):

Labcorp Genetics (formerly Invitae), Labcorp
Classification: Uncertain significance for Senior-Loken syndrome 8; Asphyxiating thoracic dystrophy 5. Last evaluated: 2025-12-19. Review status: criteria provided, single submitter. Criteria: Invitae Variant Classification Sherloc (09022015). Collection method: clinical testing. Allele origin: germline.
Comment: This sequence change replaces threonine, which is neutral and polar, with alanine, which is neutral and non-polar, at codon 365 of the WDR19 protein (p.Thr365Ala). This variant is present in population databases (rs745627337, gnomAD 0.004%). This variant has not been reported in the literature in individuals affected with WDR19-related conditions. ClinVar contains an entry for this variant (Variation ID: 1005969). Invitae Evidence Modeling of protein sequence and biophysical properties (such as structural, functional, and spatial information, amino acid conservation, physicochemical variation, residue mobility, and thermodynamic stability) indicates that this missense variant is not expected to disrupt WDR19 protein function with a negative predictive value of 80%. In summary, the available evidence is currently insufficient to determine the role of this variant in disease. Therefore, it has been classified as a Variant of Uncertain Significance.

Fulgent Genetics
Classification: Uncertain significance for Asphyxiating thoracic dystrophy 5; Nephronophthisis 13; Cranioectodermal dysplasia 4; Senior-Loken syndrome 8; Spermatogenic failure 72. Last evaluated: 2024-04-09. Review status: criteria provided, single submitter. Criteria: ACMG Guidelines, 2015. Collection method: clinical testing. Allele origin: germline.